The following is an entry in ClinVar:

NM_018941.4(CLN8):c.488C>T (p.Thr163Met)

Gene: CLN8 (CLN8 transmembrane ER and ERGIC protein; plus strand). Cytogenetic location: 8p23.3.
Variant type: single nucleotide variant.
Coding change: c.488C>T on transcript NM_018941.4 (MANE Select); coding-DNA position 488, C replaced by T.
Protein change: p.Thr163Met; replaces threonine 163 with methionine.
Molecular consequence: missense variant.
Genome position (GRCh38, 1-based): chr8:1,771,542, C>T. VCF-style: chr8-1771542-C-T. GRCh37 (hg19) VCF-style: chr8-1719708-C-T.
Other names: p.T163M:ACG>ATG; short protein forms T163M.
Identifiers: ClinVar variation 205209 (VCV000205209.5), dbSNP rs781099399, ClinGen allele CA314058.

ClinVar aggregate classification (germline): Uncertain significance. Review status: criteria provided, multiple submitters, no conflicts (2 of 4 stars). 2 submissions from 2 submitters: Uncertain significance (2). Last evaluated 2022-08-23.

Conditions:
Neuronal ceroid lipofuscinosis. Also called: Neuronal Ceroid Lipofuscinoses. Identifiers: Orphanet 216, Orphanet 79263, MedGen C0027877, MONDO:0016295. Disease mechanism: loss of function.

Allele frequency attached by ClinVar (database versions not stated): gnomAD exomes below 0.00001; gnomAD 0.00001.
gnomAD v4.1: 6 of 1,614,020 alleles (0.00037%); highest among the groups gnomAD compares: African/African-American, 0.0013%; no homozygotes.

Submissions (2):

Labcorp Genetics (formerly Invitae), Labcorp
Classification: Uncertain significance for Neuronal ceroid lipofuscinosis. Last evaluated: 2022-08-23. Review status: criteria provided, single submitter. Criteria: Invitae Variant Classification Sherloc (09022015). Collection method: clinical testing. Allele origin: germline.
Comment: This sequence change replaces threonine, which is neutral and polar, with methionine, which is neutral and non-polar, at codon 163 of the CLN8 protein (p.Thr163Met). This variant is present in population databases (rs781099399, gnomAD 0.004%). This missense change has been observed in individual(s) with clinical features of Batten disease (Invitae). In at least one individual the data is consistent with being in trans (on the opposite chromosome) from a pathogenic variant. ClinVar contains an entry for this variant (Variation ID: 205209). Algorithms developed to predict the effect of missense changes on protein structure and function are either unavailable or do not agree on the potential impact of this missense change (SIFT: "Deleterious"; PolyPhen-2: "Probably Damaging"; Align-GVGD: "Class C15"). In summary, the available evidence is currently insufficient to determine the role of this variant in disease. Therefore, it has been classified as a Variant of Uncertain Significance.

GeneDx
Classification: Uncertain significance. Last evaluated: 2017-07-24. Review status: criteria provided, single submitter. Criteria: GeneDx Variant Classification (06012015). Collection method: clinical testing. Allele origin: germline. Affected: yes.
Comment: p.Thr163Met (ACG>ATG): c.488 C>T in exon 2 of the CLN8 gene (NM_018941.3)The Thr163Met missense change in the CLN8 gene has not been published as a mutation, nor has it been reported as a benign polymorphism to our knowledge. It was not observed in approximately 6,500 individuals of European and African American ancestry in the NHLBI Exome Sequencing Project, indicating it is not a common benign variant in these populations. This variant is a non-conservative amino acid substitution of a polar Threonine residue with a non-polar Methionine residue. Although, this position is not highly conserved across species, other missense mutations associated with neuronal ceroid lipofuscinosis have been reported in this region of the protein. In silico analysis is inconsistent with regard to the effect this variant may have on the protein structure/function. Therefore, based on the currently available information, it is unclear whether Thr163Met is a disease-causing mutation or a rare benign variant.The finding of a single missense variant of unknown clinical significance makes the molecular diagnosis inconclusive. The variant is found in CHILD-EPI panel(s).